The following is an entry in ClinVar:

ClinVar aggregate classification (germline): Uncertain significance (1 of 4 stars; one submission).

Conditions:
Bloom syndrome (BLM). Also called: Bloom-Torre-Machacek syndrome. Identifiers: Orphanet 125, MedGen C0005859, MONDO:0008876, OMIM 210900.

Submission:

Labcorp Genetics (formerly Invitae), Labcorp
Classification: Uncertain significance for Bloom syndrome. Last evaluated: 2024-03-12. Review status: criteria provided, single submitter. Criteria: Invitae Variant Classification Sherloc (09022015). Collection method: clinical testing. Allele origin: germline.
Comment: This sequence change falls in intron 18 of the BLM gene. It does not directly change the encoded amino acid sequence of the BLM protein. This variant is not present in population databases (gnomAD no frequency). This variant has not been reported in the literature in individuals affected with BLM-related conditions. Algorithms developed to predict the effect of sequence changes on RNA splicing suggest that this variant may disrupt the consensus splice site. In summary, the available evidence is currently insufficient to determine the role of this variant in disease. Therefore, it has been classified as a Variant of Uncertain Significance.

NM_000057.4(BLM):c.3559-14TC[2]

Gene: BLM (BLM RecQ like helicase; plus strand). Cytogenetic location: 15q26.1.
Variant type: Microsatellite.
Coding change: c.3559-14TC[2] on transcript NM_000057.4 (MANE Select); two copies in a row of the 2-base unit TC starting at c.3559-14; the reference has four copies in a row; two copies, 4 bases deleted.
Molecular consequence: intron variant.
Genome position (GRCh38, 1-based): chr15:90,804,157-90,804,160, TCTC deleted; deleting any 4 consecutive bases within chr15:90,804,153-90,804,160 gives the same sequence; the position shown is the placement nearest the transcript's 3' end. VCF-style (leftmost placement, unchanged base first): chr15-90804152-TTCTC-T. GRCh37 (hg19) VCF-style: chr15-91347382-TTCTC-T.
Other names: c.3559-14TC[2] (NM_001287246.2); c.3359-4984TC[2] (NM_001287247.2); c.2434-14TC[2] (NM_001287248.2).
Identifiers: ClinVar variation 3644268 (VCV003644268.2).